The following is an entry in ClinVar:

ClinVar aggregate classification (germline): Conflicting classifications of pathogenicity. Review status: criteria provided, conflicting classifications (1 of 4 stars). 3 submissions from 3 submitters: Uncertain significance (1); Likely benign (2). Last evaluated 2025-09-28.

Conditions:
Renal cell carcinoma. Identifiers: Orphanet 217071, MedGen C0007134, MeSH D002292, MONDO:0005086, HP:0005584.
Hereditary cancer-predisposing syndrome. Also called: Tumor predisposition; Hereditary neoplastic syndrome; Neoplastic Syndromes, Hereditary; Hereditary Cancer Syndrome. Identifiers: Orphanet 140162, MedGen C0027672, MeSH D009386, MONDO:0015356.

Allele frequency attached by ClinVar (database versions not stated): TOPMed 0.00005.
gnomAD v4.1: 7 of 1,612,918 alleles (0.00043%); highest among the groups gnomAD compares: African/African-American, 0.008%; no homozygotes.

Submissions (3):

Labcorp Genetics (formerly Invitae), Labcorp
Classification: Likely benign for Renal cell carcinoma. Last evaluated: 2025-09-28. Review status: criteria provided, single submitter. Criteria: Invitae Variant Classification Sherloc (09022015). Collection method: clinical testing. Allele origin: germline.

Ambry Genetics
Classification: Likely benign for Hereditary cancer-predisposing syndrome. Last evaluated: 2023-10-03. Review status: criteria provided, single submitter. Criteria: Ambry Variant Classification Scheme 2023. Collection method: clinical testing. Allele origin: germline.

GeneDx
Classification: Uncertain significance. Last evaluated: 2022-05-05. Review status: criteria provided, single submitter. Criteria: GeneDx Variant Classification Process June 2021. Collection method: clinical testing. Allele origin: germline. Affected: yes.
Comment: Not observed at significant frequency in large population cohorts (gnomAD); In silico analysis supports that this missense variant does not alter protein structure/function; Has not been previously published as pathogenic or benign to our knowledge

NM_000245.4(MET):c.2658C>A (p.His886Gln)

Gene: MET (MET proto-oncogene, receptor tyrosine kinase; plus strand). Cytogenetic location: 7q31.2.
Variant type: single nucleotide variant.
Coding change: c.2658C>A on transcript NM_000245.4 (MANE Select); coding-DNA position 2658, C replaced by A.
Protein change: p.His886Gln; replaces histidine 886 with glutamine.
Molecular consequence: missense variant.
Genome position (GRCh38, 1-based): chr7:116,769,719, C>A. VCF-style: chr7-116769719-C-A. GRCh37 (hg19) VCF-style: chr7-116409773-C-A.
Other names: c.2712C>A, p.His904Gln (NM_001127500.3); c.2658C>A, p.His886Gln (NM_001324401.3); c.1368C>A, p.His456Gln (NM_001324402.2); short protein forms H886Q, H904Q, H456Q.
Identifiers: ClinVar variation 846495 (VCV000846495.13), dbSNP rs748950533, ClinGen allele CA164903451.
Genomic context (GRCh38, chr7:116,769,719, plus strand): 5'-CCCTGAAGCAGTTAAAGGTGAAGTGTTAAAAGTTGGAAATAAGAGCTGTGAGAATATACA[C>A]TTACATTCTGAAGCCGTTTTATGCACGGTCCCCAATGACCTGCTGAAATTGAACAGCGAG-3'
Protein context (NP_000236.2, residues 876-896): KVGNKSCENI[His886Gln]LHSEAVLCTV